The following is an entry in ClinVar:

NM_001134363.3(RBM20):c.2158A>G (p.Lys720Glu)

Gene: RBM20 (RNA binding motif protein 20; plus strand). Cytogenetic location: 10q25.2.
Variant type: single nucleotide variant.
Coding change: c.2158A>G on transcript NM_001134363.3 (MANE Select); coding-DNA position 2158, A replaced by G.
Protein change: p.Lys720Glu; replaces lysine 720 with glutamic acid.
Molecular consequence: missense variant.
Genome position (GRCh38, 1-based): chr10:110,812,555, A>G. VCF-style: chr10-110812555-A-G. GRCh37 (hg19) VCF-style: chr10-112572313-A-G.
Other names: p.K720E:AAG>GAG; c.2158A>G (LRG_382t1); short protein forms K720E.
Identifiers: ClinVar variation 202066 (VCV000202066.4), dbSNP rs794729151, ClinGen allele CA335557.

ClinVar aggregate classification (germline): Uncertain significance. Review status: criteria provided, multiple submitters, no conflicts (2 of 4 stars). 2 submissions from 2 submitters: Uncertain significance (2). Last evaluated 2025-11-27.

Conditions:
Dilated cardiomyopathy 1DD (CMD1DD). Identifiers: Orphanet 154, MedGen C2750995, MONDO:0013168, OMIM 613172.

Allele frequency attached by ClinVar (database versions not stated): gnomAD exomes below 0.00001.
gnomAD v4.1: 1 of 1,551,736 alleles (0.000064%); highest among the groups gnomAD compares: Non-Finnish European, 0.000087%; no homozygotes.

Submissions (2):

Labcorp Genetics (formerly Invitae), Labcorp
Classification: Uncertain significance for Dilated cardiomyopathy 1DD. Last evaluated: 2025-11-27. Review status: criteria provided, single submitter. Criteria: Invitae Variant Classification Sherloc (09022015). Collection method: clinical testing. Allele origin: germline.
Comment: This sequence change replaces lysine, which is basic and polar, with glutamic acid, which is acidic and polar, at codon 720 of the RBM20 protein (p.Lys720Glu). This variant is not present in population databases (gnomAD no frequency). This variant has not been reported in the literature in individuals affected with RBM20-related conditions. ClinVar contains an entry for this variant (Variation ID: 202066). Invitae Evidence Modeling of protein sequence and biophysical properties (such as structural, functional, and spatial information, amino acid conservation, physicochemical variation, residue mobility, and thermodynamic stability) indicates that this missense variant is not expected to disrupt RBM20 protein function with a negative predictive value of 95%. In summary, the available evidence is currently insufficient to determine the role of this variant in disease. Therefore, it has been classified as a Variant of Uncertain Significance.

GeneDx
Classification: Uncertain significance. Last evaluated: 2014-04-23. Review status: criteria provided, single submitter. Criteria: GeneDx Variant Classification (06012015). Collection method: clinical testing. Allele origin: germline. Affected: yes.
Comment: p.Lys720Glu (AAG>GAG): c.2158 A>G in exon 9 of the RBM20 gene (NM_001134363.1). The K720E variant has not been published as a mutation, nor has it been reported as a benign polymorphism to our knowledge. The K720E variant was not observed in approximately 2,300 individuals of European and African American ancestry in the NHLBI Exome Sequencing Project, indicating it is not a common benign variant in these populations. The K720E variant is a non-conservative amino acid substitution, which is likely to impact secondary protein structure as these residues differ in polarity, charge, size and/or other properties. This substitution occurs at a position that is conserved across species. In silico analysis is inconsistent in its predictions as to whether or not the variant is damaging to the protein structure/function. A missense mutation in a nearby residue (R716Q) have been reported in association with cardiomyopathy, supporting the functional importance of this region of the protein. Therefore, based on the currently available information, it is unclear whether this variant is a pathogenic mutation or a rare benign variant. The variant is found in CARDIOMYOPATHY panel(s).